The following is an entry in ClinVar:

ClinVar aggregate classification (germline): Pathogenic. Review status: reviewed by expert panel (3 of 4 stars). 8 submissions from 8 submitters: Pathogenic (1). 7 of the submissions do not count toward it. Last evaluated 2019-05-10.

Conditions:
Noonan syndrome and Noonan-related syndrome. Identifiers: Orphanet 98733, MedGen C5681679, MONDO:0020297.
Cardio-facio-cutaneous syndrome. Also called: Cardiofaciocutaneous syndrome; CFC syndrome. Identifiers: Orphanet 1340, MedGen C1275081, MONDO:0015280. Disease mechanism: gain of function.
Noonan syndrome 7 (NS7). Also called: BRAF-Related Noonan Syndrome. Identifiers: Orphanet 648, MedGen C3150970, MONDO:0013379, OMIM 613706.
LEOPARD syndrome 3 (LPRD3). Identifiers: Orphanet 500, MedGen C3150971, MONDO:0013380, OMIM 613707.
Noonan syndrome 1 (NS1). Also called: FEMALE PSEUDO-TURNER SYNDROME; TURNER PHENOTYPE WITH NORMAL KARYOTYPE; PTPN11-Related Noonan Syndrome. Identifiers: Orphanet 648, MedGen C4551602, MONDO:0008104, OMIM 163950. Disease mechanism: gain of function.
Lung carcinoma. Identifiers: MedGen C0684249, MONDO:0005138.
Cardiofaciocutaneous syndrome 1 (CFC1). Also called: BRAF-Related Cardiofaciocutaneous Syndrome. Identifiers: Orphanet 1340, MedGen CN029449, MONDO:0007265, OMIM 115150. Disease mechanism: gain of function.
RASopathy. Also called: Noonan spectrum disorder; rasopathies. Identifiers: Orphanet 536391, MedGen C5555857, MONDO:0021060.

Submissions (8):

ClinGen RASopathy Variant Curation Expert Panel
Classification: Pathogenic for Noonan syndrome and Noonan-related syndrome. Last evaluated: 2019-05-10. Review status: reviewed by expert panel. Criteria: ClinGen RASopathy ACMG Specifications v1. Collection method: curation. Allele origin: germline. Inheritance: Autosomal dominant inheritance.
Comment: The c.735A>C (p.Leu245Phe) variant in BRAF has been reported as a a de novo occurrence, one of which was confirmed in at least 4 patients with clinical features of a RASopathy (PS2_VeryStrong; Partners LMM, GeneDx University Magdeburg GTR Lab ID's 21766, 26957, 506381; ClinVar SCV000061622.5, SCV000057188.16 PMID 19416762). This variant was absent from large population studies (PM2; gnomAD). Computational prediction tools and conservation analysis suggest that the p.Leu245Phe variant may impact the protein (PP3). The variant is located in the BRAF gene, which has been defined by the ClinGen RASopathy Expert Panel as a gene with a low rate of benign missense variants and pathogenic missense variants are common (PP2; PMID: 29493581). Furthermore, the variant is in a location that has been defined by the ClinGen RASopathy Expert Panel to be a mutational hotspot or domain of BRAF (PM1; PMID 29493581). In summary, this variant meets criteria to be classified as pathogenic for RASopathies in an autosomal dominant manner. Rasopathy-specific ACMG/AMP criteria applied (PMID:29493581): PS2_VeryStrong, PM2, PM1, PP2, PP3, PS4_Supporting.

GeneDx
Classification: Pathogenic. Last evaluated: 2026-10-23. Review status: criteria provided, single submitter. Criteria: GeneDx Variant Classification Process June 2021. Collection method: clinical testing. Allele origin: germline. Not counted in ClinVar's aggregate classification.
Comment: Reported in a patient with cardiofaciocutaneous syndrome who was reported to have hypertrophic cardiomyopathy, congenital heart disease, and dysmorphic facial features (PMID: 19206169); Not observed at significant frequency in large population cohorts (gnomAD); In silico analysis supports that this missense variant has a deleterious effect on protein structure/function; Missense variants in this gene are a common cause of disease and they are underrepresented in the general population; This variant is associated with the following publications: (PMID: 33057194, 35982159, 27236105, 24033266, 30581057, 31560489, 35606856, 17603483, 16439621, 24957944, 15520807, 29493581, 15488754, 19416762, 19206169)

Institute of Medical Genetics and Applied Genomics, University Hospital Tübingen
Classification: Pathogenic for LEOPARD syndrome 3. Last evaluated: 2026-02-27. Review status: criteria provided, single submitter. Criteria: ACMG Guidelines, 2015. Collection method: clinical testing. Allele origin: germline. Inheritance: Autosomal dominant inheritance. Affected: yes. Not counted in ClinVar's aggregate classification.

Labcorp Genetics (formerly Invitae), Labcorp
Classification: Pathogenic for RASopathy. Last evaluated: 2022-06-27. Review status: criteria provided, single submitter. Criteria: Invitae Variant Classification Sherloc (09022015). Collection method: clinical testing. Allele origin: germline. Not counted in ClinVar's aggregate classification.
Comment: This sequence change replaces leucine, which is neutral and non-polar, with phenylalanine, which is neutral and non-polar, at codon 245 of the BRAF protein (p.Leu245Phe). This variant is not present in population databases (gnomAD no frequency). This missense change has been observed in individual(s) with clinical features of BRAF-related conditions (PMID: 19206169, 22190897, 30290804; Invitae). In at least one individual the variant was observed to be de novo. ClinVar contains an entry for this variant (Variation ID: 40347). Advanced modeling of protein sequence and biophysical properties (such as structural, functional, and spatial information, amino acid conservation, physicochemical variation, residue mobility, and thermodynamic stability) performed at Invitae indicates that this missense variant is expected to disrupt BRAF protein function. For these reasons, this variant has been classified as Pathogenic.

Women's Health and Genetics/Laboratory Corporation of America, LabCorp
Classification: Pathogenic for Cardio-facio-cutaneous syndrome. Last evaluated: 2020-12-28. Review status: criteria provided, single submitter. Criteria: LabCorp Variant Classification Summary - May 2015. Collection method: clinical testing. Allele origin: germline. Not counted in ClinVar's aggregate classification.
Comment: Variant summary: BRAF c.735A>C (p.Leu245Phe) results in a non-conservative amino acid change located in the phorbol ester/diacylglycerol-binding domain (IPR002219) of the encoded protein sequence. Five of five in-silico tools predict a damaging effect of the variant on protein function. The variant was absent in 250260 control chromosomes (gnomAD). c.735A>C has been reported in the literature as a de novo variant in multiple individuals affected with Cardiofaciocutaneous Syndrome and related phenotypes belonging to the RASopathy spectrum (Koudova_2009, Pekeles_2019, Chinton_2019). In addition, a different variant resulting in the same missense change (c.735A>T (p.Leu245Phe)) has been reported in affected individuals (HGMD). These data indicate that the variant is likely associated with disease. To our knowledge, no experimental evidence demonstrating an impact on protein function has been reported. Four submitters, including an expert panel (ClinGen RASopathy Variant Curation Expert Panel), have provided clinical-significance assessments for this variant in ClinVar after 2014, and classified the variant as pathogenic (3x, including the expert panel) or likely pathogenic (1x). Based on the evidence outlined above, the variant was classified as pathogenic.

Fulgent Genetics
Classification: Likely pathogenic for Cardiofaciocutaneous syndrome 1; Noonan syndrome 1; Lung cancer; Noonan syndrome 7; LEOPARD syndrome 3. Last evaluated: 2017-05-18. Review status: criteria provided, single submitter. Criteria: ACMG Guidelines, 2015. Collection method: clinical testing. Allele origin: unknown. Not counted in ClinVar's aggregate classification.

Laboratory for Molecular Medicine, Mass General Brigham Personalized Medicine
Classification: Likely pathogenic for Cardio-facio-cutaneous syndrome. Last evaluated: 2010-06-24. Review status: criteria provided, single submitter. Criteria: LMM Criteria. Collection method: clinical testing. Allele origin: germline. Observed: 1 variant allele. Not counted in ClinVar's aggregate classification.

OMIM
Classification: Pathogenic for LEOPARD SYNDROME 3. Last evaluated: 2009-09-01. Review status: no assertion criteria provided. Collection method: literature only. Allele origin: germline. Not counted in ClinVar's aggregate classification.

Literature cited by the submitters: PubMed 19206169 (cited by Labcorp Genetics (formerly Invitae), Labcorp and Laboratory for Molecular Medicine, Mass General Brigham Personalized Medicine); PubMed 22190897 (cited by Labcorp Genetics (formerly Invitae), Labcorp); PubMed 30290804 (cited by Labcorp Genetics (formerly Invitae), Labcorp and Women's Health and Genetics/Laboratory Corporation of America, LabCorp); PubMed 19416762 (cited by 3 submitters); PubMed 31560489 (cited by Women's Health and Genetics/Laboratory Corporation of America, LabCorp); PubMed 30581057 (cited by Women's Health and Genetics/Laboratory Corporation of America, LabCorp).

NM_004333.6(BRAF):c.735A>C (p.Leu245Phe)

Gene: BRAF (B-Raf proto-oncogene, serine/threonine kinase; minus strand). Cytogenetic location: 7q34.
Variant type: single nucleotide variant.
Coding change: c.735A>C on transcript NM_004333.6 (MANE Select); coding-DNA position 735, A replaced by C.
Protein change: p.Leu245Phe; replaces leucine 245 with phenylalanine.
Molecular consequence: missense variant.
Genome position (GRCh38, 1-based): chr7:140,801,537, T>G on the plus strand (A>C on the coding strand, the complement: BRAF is on the minus strand). VCF-style: chr7-140801537-T-G. GRCh37 (hg19) VCF-style: chr7-140501337-T-G.
Other names: p.L245F:TTA>TTC; NM_004333.4(BRAF):c.735A>C; c.735A>C, p.Leu245Phe (NM_001354609.2, NM_001374244.1, NM_001374258.1 and 4 more transcripts); c.744A>C, p.Leu248Phe (NM_001378467.1); c.633A>C, p.Leu211Phe (NM_001378470.1); c.579A>C, p.Leu193Phe (NM_001378472.1, NM_001378473.1); c.471A>C, p.Leu157Phe (NM_001378475.1); short protein forms L245F, L211F, L157F, L248F, L193F.
Identifiers: ClinVar variation 40347 (VCV000040347.22), dbSNP rs397507466, ClinGen allele CA280027.